The following is an entry in ClinVar:

ClinVar aggregate classification (germline): Likely pathogenic (1 of 4 stars; one submission).

Conditions:
Hereditary spastic paraplegia. Also called: Familial spastic paraparesis. Identifiers: Orphanet 685, MedGen C0037773, MONDO:0019064. Disease mechanism: loss of function.

gnomAD v4.1: 1 of 1,613,856 alleles (0.000062%); highest among the groups gnomAD compares: African/African-American, 0.0013%; no homozygotes.

Submission:

Women's Health and Genetics/Laboratory Corporation of America, LabCorp
Classification: Likely pathogenic for Hereditary spastic paraplegia. Last evaluated: 2023-03-14. Review status: criteria provided, single submitter. Criteria: LabCorp Variant Classification Summary - May 2015. Collection method: clinical testing. Allele origin: germline.
Comment: Variant summary: SPG11 c.7023C>G (p.Tyr2341X) results in a premature termination codon, predicted to cause a truncation of the encoded protein or absence of the protein due to nonsense mediated decay, which are commonly known mechanisms for disease. Truncations downstream of this position have been associated with Spastic Paraplegia in HGMD. The variant allele was found at a frequency of 3.2e-05 in 31388 control chromosomes. To our knowledge, no occurrence of c.7023C>G in individuals affected with Hereditary Spastic Paraplegia, Type 11 and no experimental evidence demonstrating its impact on protein function have been reported. No clinical diagnostic laboratories have submitted clinical-significance assessments for this variant to ClinVar after 2014. Based on the evidence outlined above, the variant was classified as likely pathogenic.

NM_025137.4(SPG11):c.7023C>G (p.Tyr2341Ter)

Gene: SPG11 (SPG11 vesicle trafficking associated, spatacsin; minus strand). Cytogenetic location: 15q21.1.
Variant type: single nucleotide variant.
Coding change: c.7023C>G on transcript NM_025137.4 (MANE Select); coding-DNA position 7023, C replaced by G.
Protein change: p.Tyr2341Ter; replaces tyrosine 2341 with a stop codon.
Molecular consequence: nonsense.
Genome position (GRCh38, 1-based): chr15:44,564,675, G>C on the plus strand (C>G on the coding strand, the complement: SPG11 is on the minus strand). VCF-style: chr15-44564675-G-C. GRCh37 (hg19) VCF-style: chr15-44856873-G-C.
Other names: c.6684C>G, p.Tyr2228Ter (NM_001160227.2); c.6879C>G, p.Tyr2293Ter (NM_001411132.1); short protein forms Y2228*, Y2293*, Y2341*.
Identifiers: ClinVar variation 2501260 (VCV002501260.1), dbSNP rs80338869, ClinGen allele CA392212955.